The following is an entry in ClinVar:

ClinVar aggregate classification (germline): Pathogenic. Review status: criteria provided, multiple submitters, no conflicts (2 of 4 stars). 5 submissions from 5 submitters: Pathogenic (5). Last evaluated 2025-08-11.

Conditions:
KCNV2-related disorder. Also called: KCNV2-related condition.
Cone dystrophy with supernormal rod response (CDSRR). Also called: CONE DYSTROPHY WITH SUPERNORMAL ROD RESPONSES. Identifiers: Orphanet 209932, MedGen C1835897, MONDO:0012475, OMIM 610356.

Allele frequency attached by ClinVar (database versions not stated): TOPMed below 0.00001; gnomAD 0.00001; gnomAD exomes 0.00001 and 0.00002.
gnomAD v4.1: 12 of 1,606,438 alleles (0.00075%); highest among the groups gnomAD compares: South Asian, 0.012%; no homozygotes.

Submissions (5):

Labcorp Genetics (formerly Invitae), Labcorp
Classification: Pathogenic. Last evaluated: 2025-08-11. Review status: criteria provided, single submitter. Criteria: Invitae Variant Classification Sherloc (09022015). Collection method: clinical testing. Allele origin: germline.
Comment: This sequence change creates a premature translational stop signal (p.Gln109*) in the KCNV2 gene. It is expected to result in an absent or disrupted protein product. Loss-of-function variants in KCNV2 are known to be pathogenic (PMID: 16909397, 18235024). This variant is present in population databases (no rsID available, gnomAD 0.01%). This premature translational stop signal has been observed in individual(s) with KCNV2-related conditions (PMID: 16909397). This variant is also known as c.430C>T (Gln145Stop). ClinVar contains an entry for this variant (Variation ID: 1452213). For these reasons, this variant has been classified as Pathogenic.

First Genomix Gene Laboratory, Genetic Diagnostics Department
Classification: Pathogenic for Cone dystrophy with supernormal rod response. Last evaluated: 2025-05-19. Review status: criteria provided, single submitter. Criteria: ACMG Guidelines, 2015. Collection method: clinical testing. Allele origin: germline. Inheritance: Autosomal recessive inheritance. Affected: no. Observed: 1 variant allele.

GeneDx
Classification: Pathogenic. Last evaluated: 2024-11-08. Review status: criteria provided, single submitter. Criteria: GeneDx Variant Classification Process June 2021. Collection method: clinical testing. Allele origin: germline. Affected: yes.
Comment: Nonsense variant predicted to result in protein truncation or nonsense mediated decay in a gene for which loss of function is a known mechanism of disease; This variant is associated with the following publications: (PMID: 31964843, 26755771, 38219857, 32967234, 16909397, 31725702, 33309813, 38443311)

Dubai Health Genomic Medicine Center, Dubai Health
Classification: Pathogenic for Retinal cone dystrophy 3B. Last evaluated: 2024-10-04. Review status: criteria provided, single submitter. Criteria: ACMG Guidelines, 2015. Collection method: research. Allele origin: germline. Affected: yes.
Comment: PVS1,PM2,PM3(strong),PP1

Blueprint Genetics
Classification: Pathogenic for KCNV2-related disorders. Last evaluated: 2021-09-16. Review status: criteria provided, single submitter. Criteria: ACMG Guidelines, 2015. Collection method: clinical testing. Allele origin: germline. Affected: yes. Observed: 2 variant alleles.

Literature cited by the submitters: PubMed 16909397 (cited by Labcorp Genetics (formerly Invitae), Labcorp); PubMed 18235024 (cited by Labcorp Genetics (formerly Invitae), Labcorp).

NM_133497.4(KCNV2):c.325C>T (p.Gln109Ter)

Gene: KCNV2 (potassium voltage-gated channel modifier subfamily V member 2; plus strand). Cytogenetic location: 9p24.2.
Variant type: single nucleotide variant.
Coding change: c.325C>T on transcript NM_133497.4 (MANE Select); coding-DNA position 325, C replaced by T.
Protein change: p.Gln109Ter; replaces glutamine 109 with a stop codon.
Molecular consequence: nonsense.
Genome position (GRCh38, 1-based): chr9:2,718,064, C>T. VCF-style: chr9-2718064-C-T. GRCh37 (hg19) VCF-style: chr9-2718064-C-T.
Other names: c.325C>T (NM_133497.3); short protein forms Q109*.
Identifiers: ClinVar variation 1452213 (VCV001452213.10), dbSNP rs1478587308, ClinGen allele CA372796610.